The following is an entry in ClinVar:

NM_001164508.2(NEB):c.12288C>A (p.Asn4096Lys)

Gene: NEB (nebulin; minus strand). Cytogenetic location: 2q23.3.
Variant type: single nucleotide variant.
Coding change: c.12288C>A on transcript NM_001164508.2 (MANE Select); coding-DNA position 12288, C replaced by A.
Protein change: p.Asn4096Lys; replaces asparagine 4096 with lysine.
Molecular consequence: missense variant.
Genome position (GRCh38, 1-based): chr2:151,609,851, G>T on the plus strand (C>A on the coding strand, the complement: NEB is on the minus strand). VCF-style: chr2-151609851-G-T. GRCh37 (hg19) VCF-style: chr2-152466365-G-T.
Other names: c.12288C>A, p.Asn4096Lys (NM_001164507.2, NM_001271208.2); c.11559C>A, p.Asn3853Lys (NM_004543.5); c.11559C>A (NM_004543.4); short protein forms N3853K, N4096K.
Identifiers: ClinVar variation 851881 (VCV000851881.4), dbSNP rs755521679, ClinGen allele CA348776684.

ClinVar aggregate classification (germline): Uncertain significance. Review status: criteria provided, multiple submitters, no conflicts (2 of 4 stars). 3 submissions from 3 submitters: Uncertain significance (2). 1 of the submissions does not count toward it. Last evaluated 2025-08-02.

Conditions:
Nemaline myopathy 2 (NEM2). Also called: Nemaline myopathy 2, autosomal recessive. Identifiers: MedGen C1850569, MONDO:0009725, OMIM 256030.
Inborn genetic diseases. Identifiers: MedGen C0950123, MeSH D030342.

Submissions (3):

Ambry Genetics
Classification: Uncertain significance for Inborn genetic diseases. Last evaluated: 2025-08-02. Review status: criteria provided, single submitter. Criteria: Ambry Variant Classification Scheme 2023. Collection method: clinical testing. Allele origin: germline.

Labcorp Genetics (formerly Invitae), Labcorp
Classification: Uncertain significance for Nemaline myopathy 2. Last evaluated: 2019-11-29. Review status: criteria provided, single submitter. Criteria: Invitae Variant Classification Sherloc (09022015). Collection method: clinical testing. Allele origin: germline.
Comment: This sequence change replaces asparagine with lysine at codon 4096 of the NEB protein (p.Asn4096Lys). The asparagine residue is moderately conserved and there is a moderate physicochemical difference between asparagine and lysine. This variant is not present in population databases (ExAC no frequency). This variant has not been reported in the literature in individuals with NEB-related conditions. Algorithms developed to predict the effect of missense changes on protein structure and function are either unavailable or do not agree on the potential impact of this missense change (SIFT: "Deleterious"; PolyPhen-2: "Not Available"; Align-GVGD: "Class C0"). In summary, the available evidence is currently insufficient to determine the role of this variant in disease. Therefore, it has been classified as a Variant of Uncertain Significance.

Natera, Inc.
Classification: Uncertain significance for Nemaline myopathy type 2. Last evaluated: 2020-09-16. Review status: no assertion criteria provided. Collection method: clinical testing. Allele origin: germline. Not counted in ClinVar's aggregate classification.